The following is an entry in ClinVar:

ClinVar aggregate classification (germline): Uncertain significance (1 of 4 stars; one submission).

Allele frequency attached by ClinVar (database versions not stated): gnomAD 0.00002.

Submission:

Labcorp Genetics (formerly Invitae), Labcorp
Classification: Uncertain significance. Last evaluated: 2022-07-06. Review status: criteria provided, single submitter. Criteria: Invitae Variant Classification Sherloc (09022015). Collection method: clinical testing. Allele origin: germline.
Comment: This sequence change affects codon 482 of the SLC9A3 mRNA. It is a 'silent' change, meaning that it does not change the encoded amino acid sequence of the SLC9A3 protein. It affects a nucleotide within the consensus splice site. This variant is present in population databases (rs199558695, gnomAD 0.01%). This variant has not been reported in the literature in individuals affected with SLC9A3-related conditions. Algorithms developed to predict the effect of sequence changes on RNA splicing suggest that this variant is not likely to affect RNA splicing. In summary, the available evidence is currently insufficient to determine the role of this variant in disease. Therefore, it has been classified as a Variant of Uncertain Significance.

NM_004174.4(SLC9A3):c.1446C>T (p.Arg482=)

Gene: SLC9A3 (solute carrier family 9 member A3). Cytogenetic location: 5p15.33.
Variant type: single nucleotide variant.
Coding change: c.1446C>T on transcript NM_004174.4 (MANE Select); coding-DNA position 1446, C replaced by T.
Protein change: p.Arg482=; no amino-acid change (arginine 482 retained).
Molecular consequence: synonymous variant.
Genome position (GRCh38, 1-based): chr5:482,068, G>A on the plus strand (C>T on the coding strand, the complement: SLC9A3 is on the minus strand). VCF-style: chr5-482068-G-A. GRCh37 (hg19) VCF-style: chr5-482183-G-A.
Other names: c.1419C>T, p.Arg473= (NM_001284351.3).
Identifiers: ClinVar variation 1986278 (VCV001986278.1), dbSNP rs199558695, ClinGen allele CA3175949.